The following is an entry in ClinVar:

ClinVar aggregate classification (germline): Likely pathogenic (1 of 4 stars; one submission).

Conditions:
Amyotrophic lateral sclerosis type 4 (ALS4). Also called: NEURONOPATHY, DISTAL HEREDITARY MOTOR, WITH PYRAMIDAL FEATURES; AMYOTROPHIC LATERAL SCLEROSIS 4, JUVENILE. Identifiers: Orphanet 357043, MedGen C1865409, MONDO:0011223, OMIM 602433.

Submission:

Women's Health and Genetics/Laboratory Corporation of America, LabCorp
Classification: Likely pathogenic for Amyotrophic lateral sclerosis type 4. Last evaluated: 2022-08-15. Review status: criteria provided, single submitter. Criteria: LabCorp Variant Classification Summary - May 2015. Collection method: clinical testing. Allele origin: germline.
Comment: Variant summary: The variant identified by MLPA or other technology involves the deletion of exons 12-15 in the SETX gene. A presumed nomenclature of c.(5374+1_5375-1)_(6106+1_6107-1)del has been designated for the purposes of this classification. Although exact breakpoints of this deletion are not known, it is expected to result in a large in-frame deletion change in the SETX gene (with a predicted protein-level change of p.Val1792_Leu2035del), affecting the helicase domain (amino acids 1934-2217; IPR041677). The variant was absent in 21694 control chromosomes (gnomAD database, Structural Variants dataset). To our knowledge, no occurrence of c.(5374+1_5375-1)_(6106+1_6107-1)del in individuals affected with Amyotrophic Lateral Sclerosis Type 4 and no experimental evidence demonstrating its impact on protein function have been reported. No clinical diagnostic laboratories have submitted clinical-significance assessments for this variant to ClinVar after 2014. Based on the evidence outlined above, the variant was classified as likely pathogenic.

NC_000009.11:g.(135164039_135171258)_(135176191_135187143)del

Gene: SETX (senataxin; minus strand). Cytogenetic location: 9q34.13.
Variant type: Deletion.
Identifiers: ClinVar variation 1705107 (VCV001705107.1).